The following is an entry in ClinVar:

ClinVar aggregate classification (germline): Uncertain significance. Review status: reviewed by expert panel (3 of 4 stars). 2 submissions from 2 submitters: Uncertain significance (1). 1 of the submissions does not count toward it. Last evaluated 2019-08-25.

Conditions:
Phenylketonuria (PKU). Also called: Phenylketonuria (PKU); FOLLING DISEASE; OLIGOPHRENIA PHENYLPYRUVICA; Phenylketonurias. Identifiers: Orphanet 716, MedGen C0031485, MONDO:0009861, OMIM 261600. Disease mechanism: loss of function.

Submissions (2):

ClinGen PAH Variant Curation Expert Panel
Classification: Uncertain significance for Phenylketonuria. Last evaluated: 2019-08-25. Review status: reviewed by expert panel. Criteria: ClinGen PAH ACMG Specifications v1. Collection method: curation. Allele origin: germline. Inheritance: Autosomal recessive inheritance.
Comment: The c.168+5G>T variant has been identified in at least 2 probands, with at least 1 classic PKU proband excluding BH4 deficiency (PMIDs: 30747360). This variant is absent from 1000G, ESP, and gnomAD databases. Computational analysis predicts an alteration of the WT donor site, most probably affecting splicing. In summary, this variant meets criteria to be classified as unknown significance for PAH. PAH-specific ACMG/AMP criteria applied: PM2, PP4_Moderate, PP3.

DeBelle Laboratory for Biochemical Genetics, MUHC/MCH RESEARCH INSTITUTE
No classification provided. Review status: no classification provided. Collection method: not provided. Allele origin: not provided. Not counted in ClinVar's aggregate classification.

Literature cited by the submitters: PubMed 30747360 (cited by ClinGen PAH Variant Curation Expert Panel).

NM_000277.3(PAH):c.168+5G>T

Gene: PAH (phenylalanine hydroxylase; minus strand). Cytogenetic location: 12q23.2.
Variant type: single nucleotide variant.
Coding change: c.168+5G>T on transcript NM_000277.3 (MANE Select); 5 bases into the intron after coding-DNA position 168, G replaced by T.
Molecular consequence: intron variant.
Genome position (GRCh38, 1-based): chr12:102,912,786, C>A on the plus strand (G>T on the coding strand, the complement: PAH is on the minus strand). VCF-style: chr12-102912786-C-A. GRCh37 (hg19) VCF-style: chr12-103306564-C-A.
Other names: c.168+5G>T (NM_001354304.2).
Identifiers: ClinVar variation 102607 (VCV000102607.2), dbSNP rs62507288, ClinGen allele CA229455.